The following is an entry in ClinVar:

NM_003922.4(HERC1):c.6674G>A (p.Arg2225Gln)

Gene: HERC1 (HECT and RLD domain containing E3 ubiquitin protein ligase family member 1; minus strand). Cytogenetic location: 15q22.31.
Variant type: single nucleotide variant.
Coding change: c.6674G>A on transcript NM_003922.4 (MANE Select); coding-DNA position 6674, G replaced by A.
Protein change: p.Arg2225Gln; replaces arginine 2225 with glutamine.
Molecular consequence: missense variant.
Genome position (GRCh38, 1-based): chr15:63,678,241, C>T on the plus strand (G>A on the coding strand, the complement: HERC1 is on the minus strand). VCF-style: chr15-63678241-C-T. GRCh37 (hg19) VCF-style: chr15-63970440-C-T.
Other names: c.6674G>A (NM_003922.3); short protein forms R2225Q.
Identifiers: ClinVar variation 1397017 (VCV001397017.7), dbSNP rs199985740, ClinGen allele CA7605294.

ClinVar aggregate classification (germline): Uncertain significance. Review status: criteria provided, multiple submitters, no conflicts (2 of 4 stars). 2 submissions from 2 submitters: Uncertain significance (2). Last evaluated 2025-09-22.

Conditions:
Inborn genetic diseases. Identifiers: MedGen C0950123, MeSH D030342.

Allele frequency attached by ClinVar (database versions not stated): ExAC 0.00011; TOPMed 0.00015; ESP Exome Variant Server 0.00041; gnomAD 0.00011 and 0.00010.
gnomAD v4.1: 68 of 1,613,666 alleles (0.0042%); highest among the groups gnomAD compares: African/African-American, 0.024%; no homozygotes.

Submissions (2):

Ambry Genetics
Classification: Uncertain significance for Inborn genetic diseases. Last evaluated: 2025-09-22. Review status: criteria provided, single submitter. Criteria: Ambry Variant Classification Scheme 2023. Collection method: clinical testing. Allele origin: germline.

Labcorp Genetics (formerly Invitae), Labcorp
Classification: Uncertain significance. Last evaluated: 2022-03-19. Review status: criteria provided, single submitter. Criteria: Invitae Variant Classification Sherloc (09022015). Collection method: clinical testing. Allele origin: germline.
Comment: This sequence change replaces arginine, which is basic and polar, with glutamine, which is neutral and polar, at codon 2225 of the HERC1 protein (p.Arg2225Gln). This variant is present in population databases (rs199985740, gnomAD 0.04%). This variant has not been reported in the literature in individuals affected with HERC1-related conditions. Algorithms developed to predict the effect of missense changes on protein structure and function are either unavailable or do not agree on the potential impact of this missense change (SIFT: "Deleterious"; PolyPhen-2: "Benign"; Align-GVGD: "Class C35"). In summary, the available evidence is currently insufficient to determine the role of this variant in disease. Therefore, it has been classified as a Variant of Uncertain Significance.